The following is an entry in ClinVar:

NM_000179.3(MSH6):c.3781G>T (p.Ala1261Ser)

Gene: MSH6 (mutS homolog 6; plus strand). Cytogenetic location: 2p16.3.
Variant type: single nucleotide variant.
Coding change: c.3781G>T on transcript NM_000179.3 (MANE Select); coding-DNA position 3781, G replaced by T.
Protein change: p.Ala1261Ser; replaces alanine 1261 with serine.
Molecular consequence: missense variant.
Genome position (GRCh38, 1-based): chr2:47,806,338, G>T. VCF-style: chr2-47806338-G-T. GRCh37 (hg19) VCF-style: chr2-48033477-G-T.
Other names: c.3391G>T, p.Ala1131Ser (NM_001281492.2); c.2875G>T, p.Ala959Ser (NM_001281493.2, NM_001281494.2); short protein forms A1261S, A959S, A1131S.
Identifiers: ClinVar variation 1499162 (VCV001499162.10), dbSNP rs2104545816, ClinGen allele CA346761157.

ClinVar aggregate classification (germline): Uncertain significance. Review status: criteria provided, multiple submitters, no conflicts (2 of 4 stars). 2 submissions from 2 submitters: Uncertain significance (2). Last evaluated 2022-02-24.

Conditions:
Hereditary cancer-predisposing syndrome. Also called: Tumor predisposition; Hereditary neoplastic syndrome; Neoplastic Syndromes, Hereditary; Hereditary Cancer Syndrome. Identifiers: Orphanet 140162, MedGen C0027672, MeSH D009386, MONDO:0015356.
Hereditary nonpolyposis colorectal neoplasms. Identifiers: MedGen C0009405, MeSH D003123.

Submissions (2):

Ambry Genetics
Classification: Uncertain significance for Hereditary cancer-predisposing syndrome. Last evaluated: 2022-02-24. Review status: criteria provided, single submitter. Criteria: Ambry Variant Classification Scheme 2023. Collection method: clinical testing. Allele origin: germline.
Comment: The p.A1261S variant (also known as c.3781G>T), located in coding exon 8 of the MSH6 gene, results from a G to T substitution at nucleotide position 3781. The alanine at codon 1261 is replaced by serine, an amino acid with similar properties. This amino acid position is conserved. In addition, this alteration is predicted to be tolerated by in silico analysis. Since supporting evidence is limited at this time, the clinical significance of this alteration remains unclear.

Labcorp Genetics (formerly Invitae), Labcorp
Classification: Uncertain significance for Hereditary nonpolyposis colorectal neoplasms. Last evaluated: 2021-04-20. Review status: criteria provided, single submitter. Criteria: Invitae Variant Classification Sherloc (09022015). Collection method: clinical testing. Allele origin: germline.
Comment: In summary, the available evidence is currently insufficient to determine the role of this variant in disease. Therefore, it has been classified as a Variant of Uncertain Significance. Advanced modeling of protein sequence and biophysical properties (such as structural, functional, and spatial information, amino acid conservation, physicochemical variation, residue mobility, and thermodynamic stability) performed at Invitae indicates that this missense variant is not expected to disrupt MSH6 protein function. This variant has not been reported in the literature in individuals with MSH6-related conditions. This variant is not present in population databases (ExAC no frequency). This sequence change replaces alanine with serine at codon 1261 of the MSH6 protein (p.Ala1261Ser). The alanine residue is weakly conserved and there is a moderate physicochemical difference between alanine and serine.